The following is an entry in ClinVar:

ClinVar aggregate classification (germline): Uncertain significance (1 of 4 stars; one submission).

Conditions:
PHIP-related disorder. Also called: PHIP-related disorders; PHIP-related condition.

gnomAD v4.1: 1 of 1,611,256 alleles (0.000062%); highest among the groups gnomAD compares: Non-Finnish European, 0.000085%; no homozygotes.

Submission:

PreventionGenetics, part of Exact Sciences
Classification: Uncertain significance for PHIP-related condition. Last evaluated: 2025-12-23. Review status: criteria provided, single submitter. Criteria: ACMG Guidelines, 2015. Collection method: clinical testing. Allele origin: germline.
Comment: The PHIP c.1169G>A variant is predicted to result in the amino acid substitution p.Arg390His. To our knowledge, this variant has not been reported in the literature or in a large population database (gnomAD), indicating this variant is rare. Although we suspect that this variant may be benign, at this time, the clinical significance of this variant is uncertain due to the absence of conclusive functional and genetic evidence.

NM_017934.7(PHIP):c.1169G>A (p.Arg390His)

Gene: PHIP (PHIP subunit of CUL4-Ring ligase complex; minus strand). Cytogenetic location: 6q14.1.
Variant type: single nucleotide variant.
Coding change: c.1169G>A on transcript NM_017934.7 (MANE Select); coding-DNA position 1169, G replaced by A.
Protein change: p.Arg390His; replaces arginine 390 with histidine.
Molecular consequence: missense variant.
Genome position (GRCh38, 1-based): chr6:79,016,610, C>T on the plus strand (G>A on the coding strand, the complement: PHIP is on the minus strand). VCF-style: chr6-79016610-C-T. GRCh37 (hg19) VCF-style: chr6-79726327-C-T.
Other names: short protein forms R390H.
Identifiers: ClinVar variation 5002184 (VCV005002184.1).